The following is an entry in ClinVar:

ClinVar aggregate classification (germline): Pathogenic (0 of 4 stars; one submission).

Conditions:
Intellectual disability, autosomal dominant 24 (VSVS). Also called: VULTO-VAN SILFHOUT-DE VRIES SYNDROME. Identifiers: MedGen C4014414, MONDO:0014357, OMIM 615828.

Submission:

OMIM
Classification: Pathogenic for VULTO-VAN SILFHOUT-DE VRIES SYNDROME. Last evaluated: 2020-06-02. Review status: no assertion criteria provided. Collection method: literature only. Allele origin: germline.

Literature cited by the submitters: PubMed 30923367 (cited by OMIM).

NM_021008.4(DEAF1):c.826G>C (p.Ala276Pro)

Gene: DEAF1 (DEAF1 transcription factor; minus strand). Cytogenetic location: 11p15.5.
Variant type: single nucleotide variant.
Coding change: c.826G>C on transcript NM_021008.4 (MANE Select); coding-DNA position 826, G replaced by C.
Protein change: p.Ala276Pro; replaces alanine 276 with proline.
Molecular consequence: missense variant.
Genome position (GRCh38, 1-based): chr11:684,942, C>G on the plus strand (G>C on the coding strand, the complement: DEAF1 is on the minus strand). VCF-style: chr11-684942-C-G. GRCh37 (hg19) VCF-style: chr11-684942-C-G.
Other names: c.686G>C, p.Arg229Pro (NM_001293634.2); c.100G>C, p.Ala34Pro (NM_001367390.1); short protein forms A276P, A34P, R229P.
Identifiers: ClinVar variation 915950 (VCV000915950.4), dbSNP rs1383819913, ClinGen allele CA378930159.